The following is an entry in ClinVar:

ClinVar aggregate classification (germline): Uncertain significance (1 of 4 stars; one submission).

Conditions:
IKBKB-related disorder. Also called: IKBKB-related condition.

Submission:

PreventionGenetics, part of Exact Sciences
Classification: Uncertain significance for IKBKB-related condition. Last evaluated: 2022-12-07. Review status: criteria provided, single submitter. Criteria: ACMG Guidelines, 2015. Collection method: clinical testing. Allele origin: germline.
Comment: The IKBKB c.1112T>C variant is predicted to result in the amino acid substitution p.Ile371Thr. To our knowledge, this variant has not been reported in the literature or in a large population database, indicating this variant is rare. At this time, the clinical significance of this variant is uncertain due to the absence of conclusive functional and genetic evidence.

NM_001556.3(IKBKB):c.1112T>C (p.Ile371Thr)

Gene: IKBKB (inhibitor of nuclear factor kappa B kinase subunit beta; plus strand). Cytogenetic location: 8p11.21.
Variant type: single nucleotide variant.
Coding change: c.1112T>C on transcript NM_001556.3 (MANE Select); coding-DNA position 1112, T replaced by C.
Protein change: p.Ile371Thr; replaces isoleucine 371 with threonine.
Molecular consequence: missense variant. On other transcripts: non-coding transcript variant (3).
Genome position (GRCh38, 1-based): chr8:42,316,891, T>C. VCF-style: chr8-42316891-T-C. GRCh37 (hg19) VCF-style: chr8-42174409-T-C.
Other names: c.920T>C, p.Ile307Thr (NM_001190720.3); c.935T>C, p.Ile312Thr (NM_001242778.2); short protein forms I307T, I312T, I371T.
Identifiers: ClinVar variation 2635162 (VCV002635162.1), dbSNP rs2487654764, ClinGen allele CA371085669.